The following is an entry in ClinVar:

NM_004385.5(VCAN):c.2067A>G (p.Thr689=)

Gene: VCAN (versican; plus strand). Cytogenetic location: 5q14.3.
Variant type: single nucleotide variant.
Coding change: c.2067A>G on transcript NM_004385.5 (MANE Select); coding-DNA position 2067, A replaced by G.
Protein change: p.Thr689=; no amino-acid change (threonine 689 retained).
Molecular consequence: synonymous variant. On other transcripts: intron variant (2).
Genome position (GRCh38, 1-based): chr5:83,520,373, A>G. VCF-style: chr5-83520373-A-G. GRCh37 (hg19) VCF-style: chr5-82816192-A-G.
Other names: c.2067A>G (NM_004385.4); c.2067A>G, p.Thr689= (NM_001164098.2); c.1042+7977A>G (NM_001164097.2, NM_001126336.3).
Identifiers: ClinVar variation 1599981 (VCV001599981.10), dbSNP rs576246409, ClinGen allele CA3332778.
Genomic context (GRCh38, chr5:83,520,373, plus strand): 5'-CACAGTTATTTATCCTTCTCTACAAACAGAAATGACACATAGAAGAGAAAGAACAGAAAC[A>G]CTAATACCAGAGATGAGAACAGATACTTATACAGATGAAATACAAGAAGAGATCACTAAA-3'
Protein context (NP_004376.2, residues 679-699): EMTHRRERTE[Thr689=]LIPEMRTDTY

ClinVar aggregate classification (germline): Benign/Likely benign. Review status: criteria provided, multiple submitters, no conflicts (2 of 4 stars). 3 submissions from 3 submitters: Benign (1); Likely benign (2). Last evaluated 2025-11-22.

Conditions:
VCAN-related disorder. Also called: VCAN-related condition.

Allele frequency attached by ClinVar (database versions not stated): gnomAD 0.00003; gnomAD exomes 0.00003 and 0.00008; TOPMed 0.00003; ExAC 0.00009; 1000 Genomes Project 30x 0.00047; 1000 Genomes Project 0.00060.
gnomAD v4.1: 50 of 1,612,576 alleles (0.0031%); highest among the groups gnomAD compares: East Asian, 0.087%; no homozygotes.

Submissions (3):

PreventionGenetics, part of Exact Sciences
Classification: Likely benign for VCAN-related condition. Last evaluated: 2025-11-22. Review status: criteria provided, single submitter. Criteria: ACMG Guidelines, 2015. Collection method: clinical testing. Allele origin: germline.
Comment: This variant is classified as likely benign based on ACMG/AMP sequence variant interpretation guidelines (Richards et al. 2015 PMID: 25741868, with internal and published modifications).

Labcorp Genetics (formerly Invitae), Labcorp
Classification: Benign. Last evaluated: 2023-12-13. Review status: criteria provided, single submitter. Criteria: Invitae Variant Classification Sherloc (09022015). Collection method: clinical testing. Allele origin: germline.

Blueprint Genetics
Classification: Likely benign. Last evaluated: 2023-10-18. Review status: criteria provided, single submitter. Criteria: ACMG Guidelines, 2015. Collection method: clinical testing. Allele origin: germline.